The following is an entry in ClinVar:

ClinVar aggregate classification (germline): Likely benign (1 of 4 stars; one submission).

Allele frequency attached by ClinVar (database versions not stated): TOPMed 0.00002 and 0.00001; gnomAD 0.00001; gnomAD exomes below 0.00001.
gnomAD v4.1: 5 of 1,613,914 alleles (0.00031%); highest among the groups gnomAD compares: Admixed American, 0.0033%; no homozygotes.

Submission:

GeneDx
Classification: Likely benign. Last evaluated: 2012-09-25. Review status: criteria provided, single submitter. Criteria: GeneDx Variant Classification (06012015). Collection method: clinical testing. Allele origin: germline. Affected: yes.
Comment: This variant is considered likely benign or benign based on one or more of the following criteria: it is a conservative change, it occurs at a poorly conserved position in the protein, it is predicted to be benign by multiple in silico algorithms, and/or has population frequency not consistent with disease.

NM_001267550.2(TTN):c.4142T>C (p.Val1381Ala)

Genes: TTN (titin; minus strand), LOC101927055 (uncharacterized LOC101927055; plus strand). Cytogenetic location: 2q31.2.
Variant type: single nucleotide variant.
Coding change: c.4142T>C on transcript NM_001267550.2 (MANE Select); coding-DNA position 4142, T replaced by C.
Protein change: p.Val1381Ala; replaces valine 1381 with alanine.
Molecular consequence: missense variant.
Genome position (GRCh38, 1-based): chr2:178,778,940, A>G on the plus strand (T>C on the coding strand, the complement: TTN is on the minus strand). VCF-style: chr2-178778940-A-G. GRCh37 (hg19) VCF-style: chr2-179643667-A-G.
Other names: p.V1381A:GTG>GCG; c.4004T>C, p.Val1335Ala (NM_003319.4, NM_133437.4, NM_133432.3); c.4142T>C, p.Val1381Ala (NM_133379.5, NM_001256850.1, NM_133378.4); short protein forms V1381A, V1335A.
Identifiers: ClinVar variation 202342 (VCV000202342.1), dbSNP rs794729252, ClinGen allele CA309144.